The following is an entry in ClinVar:

ClinVar aggregate classification (germline): Uncertain significance. Review status: criteria provided, multiple submitters, no conflicts (2 of 4 stars). 2 submissions from 2 submitters: Uncertain significance (2). Last evaluated 2026-04-26.

Conditions:
Medulloblastoma (MDB). Also called: Medulloblastoma, somatic; MEDULLOBLASTOMA PREDISPOSITION SYNDROME. Identifiers: Orphanet 616, MedGen C0025149, MeSH D008527, MONDO:0007959, OMIM 155255, HP:0002885.
Gorlin syndrome. Also called: Nevoid Basal Cell Carcinoma Syndrome; Basal cell nevus syndrome. Identifiers: Orphanet 377, MedGen C0004779, MONDO:0007187.
Hereditary cancer-predisposing syndrome. Also called: Hereditary neoplastic syndrome; Neoplastic Syndromes, Hereditary; Tumor predisposition; Hereditary Cancer Syndrome. Identifiers: Orphanet 140162, MedGen C0027672, MeSH D009386, MONDO:0015356.

Submissions (2):

Ambry Genetics
Classification: Uncertain significance for Hereditary cancer-predisposing syndrome. Last evaluated: 2026-04-26. Review status: criteria provided, single submitter. Criteria: Ambry Variant Classification Scheme 2023. Collection method: clinical testing. Allele origin: germline.
Comment: The p.N333D variant (also known as c.997A>G), located in coding exon 8 of the SUFU gene, results from an A to G substitution at nucleotide position 997. The asparagine at codon 333 is replaced by aspartic acid, an amino acid with highly similar properties. This amino acid position is conserved. In addition, this alteration is predicted to be tolerated by in silico analysis. Based on the available evidence, the clinical significance of this variant remains unclear.

Labcorp Genetics (formerly Invitae), Labcorp
Classification: Uncertain significance for Gorlin syndrome; Medulloblastoma. Last evaluated: 2023-05-03. Review status: criteria provided, single submitter. Criteria: Invitae Variant Classification Sherloc (09022015). Collection method: clinical testing. Allele origin: germline.
Comment: This variant is not present in population databases (gnomAD no frequency). In summary, the available evidence is currently insufficient to determine the role of this variant in disease. Therefore, it has been classified as a Variant of Uncertain Significance. Advanced modeling of protein sequence and biophysical properties (such as structural, functional, and spatial information, amino acid conservation, physicochemical variation, residue mobility, and thermodynamic stability) performed at Invitae indicates that this missense variant is not expected to disrupt SUFU protein function. This variant has not been reported in the literature in individuals affected with SUFU-related conditions. This sequence change replaces asparagine, which is neutral and polar, with aspartic acid, which is acidic and polar, at codon 333 of the SUFU protein (p.Asn333Asp).

NM_016169.4(SUFU):c.997A>G (p.Asn333Asp)

Gene: SUFU (SUFU negative regulator of hedgehog signaling; plus strand). Cytogenetic location: 10q24.32.
Variant type: single nucleotide variant.
Coding change: c.997A>G on transcript NM_016169.4 (MANE Select); coding-DNA position 997, A replaced by G.
Protein change: p.Asn333Asp; replaces asparagine 333 with aspartic acid.
Molecular consequence: missense variant.
Genome position (GRCh38, 1-based): chr10:102,599,519, A>G. VCF-style: chr10-102599519-A-G. GRCh37 (hg19) VCF-style: chr10-104359276-A-G.
Other names: c.997A>G, p.Asn333Asp (NM_001178133.2); short protein forms N333D.
Identifiers: ClinVar variation 2939765 (VCV002939765.4), dbSNP rs2545101022, ClinGen allele CA377911166.